The following is an entry in ClinVar:

ClinVar aggregate classification (germline): Uncertain significance. Review status: criteria provided, multiple submitters, no conflicts (2 of 4 stars). 2 submissions from 2 submitters: Uncertain significance (2). Last evaluated 2024-01-05.

Conditions:
Dilated cardiomyopathy 1KK (CMD1KK). Identifiers: Orphanet 154, Orphanet 75249, MedGen C3714995, MONDO:0014100, OMIM 615248.

Allele frequency attached by ClinVar (database versions not stated): ExAC 0.00001.
gnomAD v4.1: 6 of 1,614,140 alleles (0.00037%); highest among the groups gnomAD compares: Non-Finnish European, 0.00051%; no homozygotes.

Submissions (2):

GeneDx
Classification: Uncertain significance. Last evaluated: 2024-01-05. Review status: criteria provided, single submitter. Criteria: GeneDx Variant Classification Process June 2021. Collection method: clinical testing. Allele origin: germline. Affected: yes.
Comment: Not observed at significant frequency in large population cohorts (gnomAD); In silico analysis supports that this missense variant does not alter protein structure/function; This variant is associated with the following publications: (PMID: 31737537)

Labcorp Genetics (formerly Invitae), Labcorp
Classification: Uncertain significance for Dilated cardiomyopathy 1KK. Last evaluated: 2022-03-09. Review status: criteria provided, single submitter. Criteria: Invitae Variant Classification Sherloc (09022015). Collection method: clinical testing. Allele origin: germline.
Comment: This sequence change replaces valine, which is neutral and non-polar, with alanine, which is neutral and non-polar, at codon 765 of the MYPN protein (p.Val765Ala). This variant is present in population databases (rs759184337, gnomAD 0.002%). This missense change has been observed in individual(s) with dilated cardiomyopathy (PMID: 31737537). ClinVar contains an entry for this variant (Variation ID: 840965). Algorithms developed to predict the effect of missense changes on protein structure and function (SIFT, PolyPhen-2, Align-GVGD) all suggest that this variant is likely to be tolerated. In summary, the available evidence is currently insufficient to determine the role of this variant in disease. Therefore, it has been classified as a Variant of Uncertain Significance.

Literature cited by the submitters: PubMed 31737537 (cited by Labcorp Genetics (formerly Invitae), Labcorp).

NM_032578.4(MYPN):c.2294T>C (p.Val765Ala)

Gene: MYPN (myopalladin; plus strand). Cytogenetic location: 10q21.3.
Variant type: single nucleotide variant.
Coding change: c.2294T>C on transcript NM_032578.4 (MANE Select); coding-DNA position 2294, T replaced by C.
Protein change: p.Val765Ala; replaces valine 765 with alanine.
Molecular consequence: missense variant. On other transcripts: non-coding transcript variant (2).
Genome position (GRCh38, 1-based): chr10:68,174,386, T>C. VCF-style: chr10-68174386-T-C. GRCh37 (hg19) VCF-style: chr10-69934143-T-C.
Other names: c.2294T>C, p.Val765Ala (NM_001256267.2); c.1412T>C, p.Val471Ala (NM_001256268.2); short protein forms V471A, V765A.
Identifiers: ClinVar variation 840965 (VCV000840965.7), dbSNP rs759184337, ClinGen allele CA5522766.